The following is an entry in ClinVar:

NM_153460.4(IL17RC):c.134A>T (p.Asp45Val)

Gene: IL17RC (interleukin 17 receptor C; plus strand). Cytogenetic location: 3p25.3.
Variant type: single nucleotide variant.
Coding change: c.134A>T on transcript NM_153460.4 (MANE Select); coding-DNA position 134, A replaced by T.
Protein change: p.Asp45Val; replaces aspartic acid 45 with valine.
Molecular consequence: missense variant. On other transcripts: non-coding transcript variant (1).
Genome position (GRCh38, 1-based): chr3:9,917,929, A>T. VCF-style: chr3-9917929-A-T. GRCh37 (hg19) VCF-style: chr3-9959613-A-T.
Other names: c.134A>T, p.Asp45Val (NM_001203263.2, NM_001203264.2, NM_001203265.2 and 5 more transcripts); c.347A>T, p.Asp116Val (NM_153461.4); short protein forms D116V, D45V.
Identifiers: ClinVar variation 2177263 (VCV002177263.4), dbSNP rs988744665, ClinGen allele CA70010573.

ClinVar aggregate classification (germline): Uncertain significance (1 of 4 stars; one submission).

Conditions:
Candidiasis, familial, 9 (CANDF9). Identifiers: Orphanet 1334, MedGen C4225324, MONDO:0014642, OMIM 616445.

Allele frequency attached by ClinVar (database versions not stated): TOPMed below 0.00001; gnomAD exomes 0.00002.
gnomAD v4.1: 26 of 1,613,352 alleles (0.0016%); highest among the groups gnomAD compares: Non-Finnish European, 0.0022%; no homozygotes.

Submission:

Labcorp Genetics (formerly Invitae), Labcorp
Classification: Uncertain significance for Candidiasis, familial, 9. Last evaluated: 2025-11-08. Review status: criteria provided, single submitter. Criteria: Invitae Variant Classification Sherloc (09022015). Collection method: clinical testing. Allele origin: germline.
Comment: This sequence change replaces aspartic acid, which is acidic and polar, with valine, which is neutral and non-polar, at codon 116 of the IL17RC protein (p.Asp116Val). This variant is present in population databases (no rsID available, gnomAD 0.002%). This variant has not been reported in the literature in individuals affected with IL17RC-related conditions. ClinVar contains an entry for this variant (Variation ID: 2177263). An algorithm developed to predict the effect of missense changes on protein structure and function (PolyPhen-2) suggests that this variant is likely to be disruptive. In summary, the available evidence is currently insufficient to determine the role of this variant in disease. Therefore, it has been classified as a Variant of Uncertain Significance.